The following is an entry in ClinVar:

NM_000444.6(PHEX):c.2011_2045del (p.Pro671fs)

Genes: PHEX (phosphate regulating endopeptidase X-linked; plus strand), PTCHD1-AS (PTCHD1 and PHEX antisense RNA; minus strand). Cytogenetic location: Xp22.11.
Variant type: Deletion.
Coding change: c.2011_2045del on transcript NM_000444.6 (MANE Select); coding-DNA positions 2011 to 2045, 35 bases deleted.
Protein change: p.Pro671fs; shifts the reading frame from proline 671.
Molecular consequence: frameshift variant. On other transcripts: non-coding transcript variant (1).
Genome position (GRCh38, 1-based): chrX:22,227,552-22,227,586, 35 bases deleted. GRCh37 (hg19): chrX:22,245,669-22,245,703.
Other names: c.2011_2045del, p.Pro671fs (NM_001282754.2); short protein forms P671fs.
Identifiers: ClinVar variation 942228 (VCV000942228.8), dbSNP rs1935549248, ClinGen allele CA1139667317.

ClinVar aggregate classification (germline): Pathogenic (1 of 4 stars; one submission).

Submission:

Labcorp Genetics (formerly Invitae), Labcorp
Classification: Pathogenic. Last evaluated: 2019-07-22. Review status: criteria provided, single submitter. Criteria: Invitae Variant Classification Sherloc (09022015). Collection method: clinical testing. Allele origin: germline.
Comment: For these reasons, this variant has been classified as Pathogenic. This variant disrupts the C-terminus of the PHEX protein. Other variant(s) that disrupt this region (p.Arg747*) have been determined to be pathogenic (PMID: 9199930, 9768674). This suggests that variants that disrupt this region of the protein are likely to be causative of disease. This variant has not been observed in an individual with hypophosphatemia (Invitae). This variant is not present in population databases (ExAC no frequency). This sequence change results in a premature translational stop signal in the PHEX gene (p.Pro671Alafs*34). While this is not anticipated to result in nonsense mediated decay, it is expected to disrupt the last 79 amino acids of the PHEX protein.

Literature cited by the submitters: PubMed 9199930; PubMed 9768674.